The following is an entry in ClinVar:

NM_000217.3(KCNA1):c.59A>G (p.Gln20Arg)

Gene: KCNA1 (potassium voltage-gated channel subfamily A member 1; plus strand). Cytogenetic location: 12p13.32.
Variant type: single nucleotide variant.
Coding change: c.59A>G on transcript NM_000217.3 (MANE Select); coding-DNA position 59, A replaced by G.
Protein change: p.Gln20Arg; replaces glutamine 20 with arginine.
Molecular consequence: missense variant.
Genome position (GRCh38, 1-based): chr12:4,911,437, A>G. VCF-style: chr12-4911437-A-G. GRCh37 (hg19) VCF-style: chr12-5020603-A-G.
Other names: c.59A>G (NM_000217.2); short protein forms Q20R.
Identifiers: ClinVar variation 2138871 (VCV002138871.5), dbSNP rs1243401360, ClinGen allele CA383453705.
Genomic context (GRCh38, chr12:4,911,437, plus strand): 5'-CCATGACGGTGATGTCTGGGGAGAACGTGGACGAGGCTTCGGCCGCCCCGGGCCACCCCC[A>G]GGATGGCAGCTACCCCCGGCAGGCCGACCACGACGACCACGAGTGCTGCGAGCGCGTGGT-3'
Protein context (NP_000208.2, residues 10-30): DEASAAPGHP[Gln20Arg]DGSYPRQADH

ClinVar aggregate classification (germline): Uncertain significance. Review status: criteria provided, multiple submitters, no conflicts (2 of 4 stars). 2 submissions from 2 submitters: Uncertain significance (2). Last evaluated 2025-09-01.

Conditions:
Inborn genetic diseases. Identifiers: MedGen C0950123, MeSH D030342.
Episodic ataxia type 1 (EA1). Also called: MYOKYMIA WITH PERIODIC ATAXIA; PAROXYSMAL ATAXIA WITH NEUROMYOTONIA, HEREDITARY; Episodic ataxia/myokymia syndrome; ATAXIA, EPISODIC, WITH MYOKYMIA. Identifiers: Orphanet 37612, Orphanet 972, MedGen C1719788, MONDO:0008047, OMIM 160120.

Allele frequency attached by ClinVar (database versions not stated): gnomAD exomes below 0.00001; TOPMed below 0.00001.

Submissions (2):

Ambry Genetics
Classification: Uncertain significance for Inborn genetic diseases. Last evaluated: 2025-09-01. Review status: criteria provided, single submitter. Criteria: Ambry Variant Classification Scheme 2023. Collection method: clinical testing. Allele origin: germline.

Labcorp Genetics (formerly Invitae), Labcorp
Classification: Uncertain significance for Episodic ataxia type 1. Last evaluated: 2025-01-13. Review status: criteria provided, single submitter. Criteria: Invitae Variant Classification Sherloc (09022015). Collection method: clinical testing. Allele origin: germline.
Comment: This sequence change replaces glutamine, which is neutral and polar, with arginine, which is basic and polar, at codon 20 of the KCNA1 protein (p.Gln20Arg). This variant is present in population databases (no rsID available, gnomAD 0.003%). This variant has not been reported in the literature in individuals affected with KCNA1-related conditions. ClinVar contains an entry for this variant (Variation ID: 2138871). Invitae Evidence Modeling of protein sequence and biophysical properties (such as structural, functional, and spatial information, amino acid conservation, physicochemical variation, residue mobility, and thermodynamic stability) indicates that this missense variant is not expected to disrupt KCNA1 protein function with a negative predictive value of 80%. In summary, the available evidence is currently insufficient to determine the role of this variant in disease. Therefore, it has been classified as a Variant of Uncertain Significance.